The following is an entry in ClinVar:

NM_001099403.2(PRDM8):c.1643A>G (p.Lys548Arg)

Gene: PRDM8 (PR/SET domain 8; plus strand). Cytogenetic location: 4q21.21.
Variant type: single nucleotide variant.
Coding change: c.1643A>G on transcript NM_001099403.2 (MANE Select); coding-DNA position 1643, A replaced by G.
Protein change: p.Lys548Arg; replaces lysine 548 with arginine.
Molecular consequence: missense variant.
Genome position (GRCh38, 1-based): chr4:80,203,105, A>G. VCF-style: chr4-80203105-A-G. GRCh37 (hg19) VCF-style: chr4-81124259-A-G.
Other names: c.1643A>G, p.Lys548Arg (NM_020226.4); short protein forms K548R.
Identifiers: ClinVar variation 567227 (VCV000567227.8), dbSNP rs1320311514, ClinGen allele CA357401886.

ClinVar aggregate classification (germline): Uncertain significance (1 of 4 stars; one submission).

Conditions:
Early-onset Lafora body disease. Also called: Epilepsy, progressive myoclonic, 10. Identifiers: Orphanet 324290, MedGen C4225258, MONDO:0014717, OMIM 616640.

Allele frequency attached by ClinVar (database versions not stated): gnomAD exomes below 0.00001; gnomAD 0.00001.
gnomAD v4.1: 3 of 1,571,262 alleles (0.00019%); highest among the groups gnomAD compares: African/African-American, 0.0014%; no homozygotes.

Submission:

Labcorp Genetics (formerly Invitae), Labcorp
Classification: Uncertain significance for Early-onset Lafora body disease. Last evaluated: 2022-09-13. Review status: criteria provided, single submitter. Criteria: Invitae Variant Classification Sherloc (09022015). Collection method: clinical testing. Allele origin: germline.
Comment: In summary, the available evidence is currently insufficient to determine the role of this variant in disease. Therefore, it has been classified as a Variant of Uncertain Significance. Algorithms developed to predict the effect of sequence changes on RNA splicing suggest that this variant may create or strengthen a splice site. Advanced modeling of protein sequence and biophysical properties (such as structural, functional, and spatial information, amino acid conservation, physicochemical variation, residue mobility, and thermodynamic stability) performed at Invitae indicates that this missense variant is not expected to disrupt PRDM8 protein function. ClinVar contains an entry for this variant (Variation ID: 567227). This variant has not been reported in the literature in individuals affected with PRDM8-related conditions. This variant is present in population databases (no rsID available, gnomAD 0.01%). This sequence change replaces lysine, which is basic and polar, with arginine, which is basic and polar, at codon 548 of the PRDM8 protein (p.Lys548Arg).